The following is an entry in ClinVar:

NM_000257.4(MYH7):c.3237G>A (p.Arg1079=)

Gene: MYH7 (myosin heavy chain 7; minus strand). Cytogenetic location: 14q11.2.
Variant type: single nucleotide variant.
Coding change: c.3237G>A on transcript NM_000257.4 (MANE Select); coding-DNA position 3237, G replaced by A.
Protein change: p.Arg1079=; no amino-acid change (arginine 1079 retained).
Molecular consequence: synonymous variant.
Genome position (GRCh38, 1-based): chr14:23,422,188, C>T on the plus strand (G>A on the coding strand, the complement: MYH7 is on the minus strand). VCF-style: chr14-23422188-C-T. GRCh37 (hg19) VCF-style: chr14-23891397-C-T.
Other names: c.3237G>A, p.Arg1079= (NM_001407004.1).
Identifiers: ClinVar variation 5038703 (VCV005038703.1).

ClinVar aggregate classification (germline): Likely benign (1 of 4 stars; one submission).

Submission:

CeGaT Center for Human Genetics Tuebingen
Classification: Likely benign. Last evaluated: 2026-09-01. Review status: criteria provided, single submitter. Criteria: CeGaT Center For Human Genetics Tuebingen Variant Classification Criteria Version 2. Collection method: clinical testing. Allele origin: germline. Affected: yes. Observed: 1 variant allele.
Comment: MYH7: PM2:Supporting, BP4, BP7